The following is an entry in ClinVar:

ClinVar aggregate classification (germline): Uncertain significance (1 of 4 stars; one submission).

Conditions:
Cardiovascular phenotype. Identifiers: MedGen CN230736.

Submission:

Ambry Genetics
Classification: Uncertain significance for Cardiovascular phenotype. Last evaluated: 2021-07-29. Review status: criteria provided, single submitter. Criteria: Ambry Variant Classification Scheme 2023. Collection method: clinical testing. Allele origin: germline.
Comment: The c.4453dupG variant, located in coding exon 36 of the CACNA1C gene, results from a duplication of G at nucleotide position 4453, causing a translational frameshift with a predicted alternate stop codon (p.D1485Gfs*12). This alteration is expected to result in premature protein truncation or nonsense-mediated mRNA decay. However, loss of function of CACNA1C has not been clearly established as a mechanism of disease. Since supporting evidence is limited at this time, the clinical significance of this alteration remains unclear.

NM_000719.7(CACNA1C):c.4453dup (p.Asp1485fs)

Gene: CACNA1C (calcium voltage-gated channel subunit alpha1 C; plus strand). Cytogenetic location: 12p13.33.
Variant type: Duplication.
Coding change: c.4453dup on transcript NM_000719.7 (MANE Select); coding-DNA position 4453, one base duplicated (G; older notation c.4453dupG).
Protein change: p.Asp1485fs; shifts the reading frame from aspartic acid 1485.
Molecular consequence: frameshift variant.
Genome position (GRCh38, 1-based): chr12:2,665,635, G duplicated; the last of 3 consecutive G bases (chr12:2,665,633-2,665,635); duplicating any one gives the same sequence. VCF-style (leftmost placement, unchanged base first): chr12-2665632-A-AG. GRCh37 (hg19) VCF-style: chr12-2774798-A-AG.
Other names: c.4597dup, p.Asp1533fs (NM_001129827.2, NM_199460.4); c.4519dup, p.Asp1507fs (NM_001129829.2); c.4453dup, p.Asp1485fs (NM_001129830.3, NM_001129833.2, NM_001129834.2 and 7 more transcripts); c.4537dup, p.Asp1513fs (NM_001129831.2); c.4513dup, p.Asp1505fs (NM_001129832.2); c.4504dup, p.Asp1502fs (NM_001129836.2); c.4420dup, p.Asp1474fs (NM_001129837.2, NM_001129838.2, NM_001129846.2 and 1 more transcripts); c.4414dup, p.Asp1472fs (NM_001129839.2); and 2 more; short protein forms D1482fs, D1505fs, D1533fs, D1472fs, D1485fs, D1507fs, D1513fs, D1474fs.
Identifiers: ClinVar variation 1740720 (VCV001740720.2), dbSNP rs2529746637, ClinGen allele CA2580085121.